The following is an entry in ClinVar:

ClinVar aggregate classification (germline): Uncertain significance (1 of 4 stars; one submission).

Allele frequency attached by ClinVar (database versions not stated): ExAC 0.00001; gnomAD 0.00001; gnomAD exomes 0.00001; TOPMed 0.00001.
gnomAD v4.1: 9 of 1,612,966 alleles (0.00056%); highest among the groups gnomAD compares: Middle Eastern, 0.017%; no homozygotes.

Submission:

Labcorp Genetics (formerly Invitae), Labcorp
Classification: Uncertain significance. Last evaluated: 2023-07-26. Review status: criteria provided, single submitter. Criteria: Invitae Variant Classification Sherloc (09022015). Collection method: clinical testing. Allele origin: germline.
Comment: In summary, the available evidence is currently insufficient to determine the role of this variant in disease. Therefore, it has been classified as a Variant of Uncertain Significance. An algorithm developed to predict the effect of missense changes on protein structure and function (PolyPhen-2) suggests that this variant is likely to be disruptive. ClinVar contains an entry for this variant (Variation ID: 1991089). This missense change has been observed in individual(s) with DSCAML1-related disease (PMID: 33501714). This variant is present in population databases (rs763938111, gnomAD 0.007%). This sequence change replaces aspartic acid, which is acidic and polar, with asparagine, which is neutral and polar, at codon 1825 of the DSCAML1 protein (p.Asp1825Asn).

Literature cited by the submitters: PubMed 33501714.

NM_020693.4(DSCAML1):c.5293G>A (p.Asp1765Asn)

Gene: DSCAML1 (DS cell adhesion molecule like 1; minus strand). Cytogenetic location: 11q23.3.
Variant type: single nucleotide variant.
Coding change: c.5293G>A on transcript NM_020693.4 (MANE Select); coding-DNA position 5293, G replaced by A.
Protein change: p.Asp1765Asn; replaces aspartic acid 1765 with asparagine.
Molecular consequence: missense variant.
Genome position (GRCh38, 1-based): chr11:117,431,615, C>T on the plus strand (G>A on the coding strand, the complement: DSCAML1 is on the minus strand). VCF-style: chr11-117431615-C-T. GRCh37 (hg19) VCF-style: chr11-117302331-C-T.
Other names: short protein forms D1765N.
Identifiers: ClinVar variation 1991089 (VCV001991089.4), dbSNP rs763938111, ClinGen allele CA6296108.